The following is an entry in ClinVar:

ClinVar aggregate classification (germline): Benign (1 of 4 stars; one submission).

Allele frequency attached by ClinVar (database versions not stated): 1000 Genomes Project 0.05391; gnomAD 0.05679 and 0.06118; 1000 Genomes Project 30x 0.05840; TOPMed 0.06384.
gnomAD v4.1: 8,530 of 151,930 alleles (5.6%); highest among the groups gnomAD compares: African/African-American, 20%; 831 homozygotes.

Submission:

GeneDx
Classification: Benign. Last evaluated: 2018-06-14. Review status: criteria provided, single submitter. Criteria: GeneDx Variant Classification (06012015). Collection method: clinical testing. Allele origin: germline. Affected: yes.
Comment: This variant is considered likely benign or benign based on one or more of the following criteria: it is a conservative change, it occurs at a poorly conserved position in the protein, it is predicted to be benign by multiple in silico algorithms, and/or has population frequency not consistent with disease.

NM_182961.4(SYNE1):c.22191+167C>T

Gene: SYNE1 (spectrin repeat containing nuclear envelope protein 1; minus strand). Cytogenetic location: 6q25.2.
Variant type: single nucleotide variant.
Coding change: c.22191+167C>T on transcript NM_182961.4 (MANE Select); 167 bases into the intron after coding-DNA position 22191, C replaced by T.
Molecular consequence: intron variant.
Genome position (GRCh38, 1-based): chr6:152,218,090, G>A on the plus strand (C>T on the coding strand, the complement: SYNE1 is on the minus strand). VCF-style: chr6-152218090-G-A. GRCh37 (hg19) VCF-style: chr6-152539225-G-A.
Other names: c.21978+167C>T (NM_033071.5).
Identifiers: ClinVar variation 672666 (VCV000672666.1), dbSNP rs9479270, ClinGen allele CA150180009.
Genomic context (GRCh38, chr6:152,218,090, plus strand): 5'-ACTAAAAATACAAAAACTAGCCAGGAGTGGTGGCGTGCCCCTATAATCCTAGCTACTCGG[G>A]AGGATGAGGCAGAATCGCTTGAACCCGGAAAGCAGAGGTTGCAGTGAGCCGAGATCACAC-3'